The following is an entry in ClinVar:

NM_000238.4(KCNH2):c.742del (p.Leu248fs)

Gene: KCNH2 (potassium voltage-gated channel subfamily H member 2; minus strand). Cytogenetic location: 7q36.1.
Variant type: Deletion.
Coding change: c.742del on transcript NM_000238.4 (MANE Select); coding-DNA position 742, one base deleted (C; older notation c.742delC).
Protein change: p.Leu248fs; shifts the reading frame from leucine 248.
Molecular consequence: frameshift variant. On other transcripts: non-coding transcript variant (1).
Genome position (GRCh38, 1-based): chr7:150,958,233, G deleted on the plus strand (C on the coding strand, the reverse complement: KCNH2 is on the minus strand). VCF-style (leftmost placement, unchanged base first): chr7-150958232-AG-A. GRCh37 (hg19) VCF-style: chr7-150655320-AG-A.
Other names: c.454del, p.Leu152fs (NM_001406753.1, NM_001406756.1); c.565del, p.Leu189fs (NM_001406755.1); c.442del, p.Leu148fs (NM_001406757.1); c.742del, p.Leu248fs (NM_172056.3); short protein forms L148fs, L189fs, L248fs, L152fs.
Identifiers: ClinVar variation 4825159 (VCV004825159.1).

ClinVar aggregate classification (germline): Pathogenic (1 of 4 stars; one submission).

Conditions:
Cardiovascular phenotype. Identifiers: MedGen CN230736.

Submission:

Ambry Genetics
Classification: Pathogenic for Cardiovascular phenotype. Last evaluated: 2026-02-27. Review status: criteria provided, single submitter. Criteria: Ambry Variant Classification Scheme 2023. Collection method: clinical testing. Allele origin: germline.
Comment: The c.742delC pathogenic mutation, located in coding exon 4 of the KCNH2 gene, results from a deletion of one nucleotide at nucleotide position 742, causing a translational frameshift with a predicted alternate stop codon (p.L248Sfs*112). This variant is considered to be rare based on population cohorts in the Genome Aggregation Database (gnomAD). This alteration is expected to result in loss of function by premature protein truncation or nonsense-mediated mRNA decay. As such, this alteration is interpreted as a disease-causing mutation.